The following is an entry in ClinVar:

ClinVar aggregate classification (germline): Uncertain significance (1 of 4 stars; one submission).

gnomAD v4.1: 3 of 1,614,004 alleles (0.00019%); highest among the groups gnomAD compares: South Asian, 0.0022%; no homozygotes.

Submission:

Labcorp Genetics (formerly Invitae), Labcorp
Classification: Uncertain significance. Last evaluated: 2022-06-17. Review status: criteria provided, single submitter. Criteria: Invitae Variant Classification Sherloc (09022015). Collection method: clinical testing. Allele origin: germline.
Comment: This sequence change replaces proline, which is neutral and non-polar, with alanine, which is neutral and non-polar, at codon 134 of the CLRN1 protein (p.Pro134Ala). This variant is present in population databases (no rsID available, gnomAD 0.003%). This variant has not been reported in the literature in individuals affected with CLRN1-related conditions. Algorithms developed to predict the effect of missense changes on protein structure and function are either unavailable or do not agree on the potential impact of this missense change (SIFT: "Tolerated"; PolyPhen-2: "Probably Damaging"; Align-GVGD: "Class C0"). In summary, the available evidence is currently insufficient to determine the role of this variant in disease. Therefore, it has been classified as a Variant of Uncertain Significance.

NM_174878.3(CLRN1):c.400C>G (p.Pro134Ala)

Gene: CLRN1 (clarin 1; minus strand). Cytogenetic location: 3q25.1.
Variant type: single nucleotide variant.
Coding change: c.400C>G on transcript NM_174878.3 (MANE Select); coding-DNA position 400, C replaced by G.
Protein change: p.Pro134Ala; replaces proline 134 with alanine.
Molecular consequence: missense variant. On other transcripts: 3 prime UTR variant (1), non-coding transcript variant (1).
Genome position (GRCh38, 1-based): chr3:150,941,615, G>C on the plus strand (C>G on the coding strand, the complement: CLRN1 is on the minus strand). VCF-style: chr3-150941615-G-C. GRCh37 (hg19) VCF-style: chr3-150659402-G-C.
Other names: c.400C>G, p.Pro134Ala (NM_001195794.1); c.*14C>G (NM_001256819.2); c.172C>G, p.Pro58Ala (NM_052995.2); short protein forms P134A, P58A.
Identifiers: ClinVar variation 1954961 (VCV001954961.2), dbSNP rs368175674, ClinGen allele CA354955422.
Genomic context (GRCh38, chr3:150,941,615, plus strand): 5'-TCTTCAGAGGTAGAATTTTGTACTTACCTGAAATGAAGCTCAAAAGGTACAGCCCTAGGG[G>C]ACCATGCAGAGTTTCAAAAGGTTTTCCAAAAGCATTGTACATGAAGAAGGCTGTCCCCAC-3'
Protein context (NP_777367.1, residues 124-144): FGKPFETLHG[Pro134Ala]LGLYLLSFIS